The following is an entry in ClinVar:

NM_000535.7(PMS2):c.742dup (p.Ser248fs)

Gene: PMS2 (PMS1 homolog 2, mismatch repair system component; minus strand). Cytogenetic location: 7p22.1.
Variant type: Duplication.
Coding change: c.742dup on transcript NM_000535.7 (MANE Select); coding-DNA position 742, one base duplicated (A; older notation c.742dupA).
Protein change: p.Ser248fs; shifts the reading frame from serine 248.
Molecular consequence: frameshift variant. On other transcripts: 5 prime UTR variant (2), non-coding transcript variant (1).
Genome position (GRCh38, 1-based): chr7:5,997,387, T duplicated on the plus strand (A on the coding strand, the reverse complement: PMS2 is on the minus strand). VCF-style (leftmost placement, unchanged base first): chr7-5997386-C-CT. GRCh37 (hg19) VCF-style: chr7-6037017-C-CT.
Other names: c.742dupA (NM_000535.5); c.337dup, p.Ser113fs (NM_001322003.2, NM_001322004.2, NM_001322005.2 and 2 more transcripts); c.742dup, p.Ser248fs (NM_001322006.2, NM_001322014.2); c.424dup, p.Ser142fs (NM_001322007.2, NM_001322008.2); c.-192dup (NM_001322011.2, NM_001322012.2); c.169dup, p.Ser57fs (NM_001322013.2); c.433dup, p.Ser145fs (NM_001322015.2); short protein forms S142fs, S145fs, S248fs, S57fs, S113fs.
Identifiers: ClinVar variation 835406 (VCV000835406.12), dbSNP rs1784536095, ClinGen allele CA916080368.

ClinVar aggregate classification (germline): Pathogenic. Review status: criteria provided, multiple submitters, no conflicts (2 of 4 stars). 3 submissions from 3 submitters: Pathogenic (3). Last evaluated 2024-09-02.

Conditions:
Hereditary cancer-predisposing syndrome. Also called: Hereditary neoplastic syndrome; Neoplastic Syndromes, Hereditary; Tumor predisposition; Hereditary Cancer Syndrome. Identifiers: Orphanet 140162, MedGen C0027672, MeSH D009386, MONDO:0015356.
Hereditary nonpolyposis colorectal neoplasms. Identifiers: MedGen C0009405, MeSH D003123.
Lynch syndrome 4 (LYNCH4). Also called: Hereditary non-polyposis colorectal cancer, type 4; Colorectal cancer, hereditary nonpolyposis, type 4. Identifiers: Orphanet 144, MedGen C1838333, MONDO:0013699, OMIM 614337. Disease mechanism: loss of function.

Submissions (3):

Labcorp Genetics (formerly Invitae), Labcorp
Classification: Pathogenic for Hereditary nonpolyposis colorectal neoplasms. Last evaluated: 2024-09-02. Review status: criteria provided, single submitter. Criteria: Invitae Variant Classification Sherloc (09022015). Collection method: clinical testing. Allele origin: germline.
Comment: This sequence change creates a premature translational stop signal (p.Ser248Lysfs*2) in the PMS2 gene. It is expected to result in an absent or disrupted protein product. Loss-of-function variants in PMS2 are known to be pathogenic (PMID: 21376568, 24362816). This variant is not present in population databases (gnomAD no frequency). This variant has not been reported in the literature in individuals affected with PMS2-related conditions. ClinVar contains an entry for this variant (Variation ID: 835406). For these reasons, this variant has been classified as Pathogenic.

Ambry Genetics
Classification: Pathogenic for Hereditary cancer-predisposing syndrome. Last evaluated: 2024-05-10. Review status: criteria provided, single submitter. Criteria: Ambry Variant Classification Scheme 2023. Collection method: clinical testing. Allele origin: germline.
Comment: The c.742dupA pathogenic mutation, located in coding exon 7 of the PMS2 gene, results from a duplication of A at nucleotide position 742, causing a translational frameshift with a predicted alternate stop codon (p.S248Kfs*2). This alteration is expected to result in loss of function by premature protein truncation or nonsense-mediated mRNA decay. As such, this alteration is interpreted as a disease-causing mutation.

Myriad Genetics, Inc.
Classification: Pathogenic for Lynch syndrome 4. Last evaluated: 2023-09-19. Review status: criteria provided, single submitter. Criteria: Myriad Autosomal Dominant, Autosomal Recessive and X-Linked Classification Criteria (2023). Collection method: clinical testing. Allele origin: unknown.
Comment: This variant is considered pathogenic. This variant creates a frameshift predicted to result in premature protein truncation.

Literature cited by the submitters: PubMed 21376568 (cited by Labcorp Genetics (formerly Invitae), Labcorp); PubMed 24362816 (cited by Labcorp Genetics (formerly Invitae), Labcorp).